The following is an entry in ClinVar:

ClinVar aggregate classification (germline): Uncertain significance (1 of 4 stars; one submission).

Conditions:
Hereditary cancer-predisposing syndrome. Also called: Neoplastic Syndromes, Hereditary; Tumor predisposition; Hereditary Cancer Syndrome; Hereditary neoplastic syndrome. Identifiers: Orphanet 140162, MedGen C0027672, MeSH D009386, MONDO:0015356.

Submission:

Ambry Genetics
Classification: Uncertain significance for Hereditary cancer-predisposing syndrome. Last evaluated: 2025-09-25. Review status: criteria provided, single submitter. Criteria: Ambry Variant Classification Scheme 2023. Collection method: clinical testing. Allele origin: germline.
Comment: The p.N2542Y variant (also known as c.7624A>T), located in coding exon 15 of the APC gene, results from an A to T substitution at nucleotide position 7624. The asparagine at codon 2542 is replaced by tyrosine, an amino acid with dissimilar properties. This amino acid position is conserved. In addition, in silico predictors for this gene do not accurately predict pathogenicity. Based on the available evidence, the clinical significance of this variant remains unclear.

NM_000038.6(APC):c.7624A>T (p.Asn2542Tyr)

Gene: APC (APC regulator of Wnt signaling pathway; plus strand). Cytogenetic location: 5q22.2.
Variant type: single nucleotide variant.
Coding change: c.7624A>T on transcript NM_000038.6 (MANE Select); coding-DNA position 7624, A replaced by T.
Protein change: p.Asn2542Tyr; replaces asparagine 2542 with tyrosine.
Molecular consequence: missense variant. On other transcripts: non-coding transcript variant (2).
Genome position (GRCh38, 1-based): chr5:112,843,218, A>T. VCF-style: chr5-112843218-A-T. GRCh37 (hg19) VCF-style: chr5-112178915-A-T.
Other names: c.7624A>T, p.Asn2542Tyr (NM_001127510.3, NM_001354895.2, NM_001407450.1); c.7570A>T, p.Asn2524Tyr (NM_001127511.3); c.7678A>T, p.Asn2560Tyr (NM_001354896.2, NM_001407447.1, NM_001407448.1 and 1 more transcripts); c.7654A>T, p.Asn2552Tyr (NM_001354897.2); c.7549A>T, p.Asn2517Tyr (NM_001354898.2); c.7540A>T, p.Asn2514Tyr (NM_001354899.2); c.7501A>T, p.Asn2501Tyr (NM_001354900.2); c.7447A>T, p.Asn2483Tyr (NM_001354901.2, NM_001407453.1); and 11 more; short protein forms N2382Y, N2413Y, N2459Y, N2524Y, N2532Y, N2552Y, N2451Y, N2483Y.
Identifiers: ClinVar variation 4578506 (VCV004578506.1).